The following is an entry in ClinVar:

ClinVar aggregate classification (germline): Uncertain significance (1 of 4 stars; one submission).

Conditions:
Cardiovascular phenotype. Identifiers: MedGen CN230736.

gnomAD v4.1: 4 of 1,532,030 alleles (0.00026%); highest among the groups gnomAD compares: Non-Finnish European, 0.00035%; no homozygotes.

Submission:

Ambry Genetics
Classification: Uncertain significance for Cardiovascular phenotype. Last evaluated: 2024-11-06. Review status: criteria provided, single submitter. Criteria: Ambry Variant Classification Scheme 2023. Collection method: clinical testing. Allele origin: germline.
Comment: The p.H457Q variant (also known as c.1371C>A), located in coding exon 8 of the TBX1 gene, results from a C to A substitution at nucleotide position 1371. The histidine at codon 457 is replaced by glutamine, an amino acid with highly similar properties. This amino acid position is conserved. In addition, this alteration is predicted to be tolerated by in silico analysis. Based on the available evidence, the clinical significance of this variant remains unclear.

NM_001379200.1(TBX1):c.1398C>A (p.His466Gln)

Gene: TBX1 (T-box transcription factor 1; plus strand). Cytogenetic location: 22q11.21.
Variant type: single nucleotide variant.
Coding change: c.1398C>A on transcript NM_001379200.1 (MANE Select); coding-DNA position 1398, C replaced by A.
Protein change: p.His466Gln; replaces histidine 466 with glutamine.
Molecular consequence: missense variant. On other transcripts: intron variant (2).
Genome position (GRCh38, 1-based): chr22:19,766,750, C>A. VCF-style: chr22-19766750-C-A. GRCh37 (hg19) VCF-style: chr22-19754273-C-A.
Other names: c.1371C>A, p.His457Gln (NM_080647.1); c.1009+748C>A (NM_005992.1, NM_080646.2); short protein forms H466Q, H457Q.
Identifiers: ClinVar variation 3453815 (VCV003453815.1).
Genomic context (GRCh38, chr22:19,766,750, plus strand): 5'-GCTGCCCGGCCTGCGTGGCCACGGCTACCACCCGCACGCGCATCCGCACCACCACCACCA[C>A]CCCGTGAGTCCAGCCGCCGCGGCCGCCGCCGCCGCTGCCGCAGCTGCCGCGGCCGCCAAC-3'
Protein context (NP_001366129.1, residues 456-476): HPHAHPHHHH[His466Gln]PVSPAAAAAA